The following is an entry in ClinVar:

ClinVar aggregate classification (germline): Likely pathogenic (1 of 4 stars; one submission).

Allele frequency attached by ClinVar (database versions not stated): gnomAD exomes 0.00001; ExAC 0.00002; ESP Exome Variant Server 0.00008; gnomAD 0.00009; TOPMed 0.00009.
gnomAD v4.1: 30 of 1,610,392 alleles (0.0019%); highest among the groups gnomAD compares: African/African-American, 0.017%; no homozygotes.

Submission:

Labcorp Genetics (formerly Invitae), Labcorp
Classification: Likely pathogenic. Last evaluated: 2025-12-16. Review status: criteria provided, single submitter. Criteria: Invitae Variant Classification Sherloc (09022015). Collection method: clinical testing. Allele origin: germline.
Comment: This sequence change affects a donor splice site in intron 8 of the LCT gene. It is expected to disrupt RNA splicing. Variants that disrupt the donor or acceptor splice site typically lead to a loss of protein function (PMID: 16199547), and loss-of-function variants in LCT are known to be pathogenic (PMID: 16400612, 25881162). This variant is present in population databases (rs372910833, gnomAD 0.02%). This variant has not been reported in the literature in individuals affected with LCT-related conditions. ClinVar contains an entry for this variant (Variation ID: 2081027). Algorithms developed to predict the effect of sequence changes on RNA splicing suggest that this variant may disrupt the consensus splice site. In summary, the currently available evidence indicates that the variant is pathogenic, but additional data are needed to prove that conclusively. Therefore, this variant has been classified as Likely Pathogenic.

Literature cited by the submitters: PubMed 16199547; PubMed 16400612; PubMed 25881162.

NM_002299.4(LCT):c.3904+1G>A

Gene: LCT (lactase; minus strand). Cytogenetic location: 2q21.3.
Variant type: single nucleotide variant.
Coding change: c.3904+1G>A on transcript NM_002299.4 (MANE Select); the canonical splice donor site of the intron after coding-DNA position 3904, G replaced by A.
Molecular consequence: splice donor variant.
Genome position (GRCh38, 1-based): chr2:135,808,442, C>T on the plus strand (G>A on the coding strand, the complement: LCT is on the minus strand). VCF-style: chr2-135808442-C-T. GRCh37 (hg19) VCF-style: chr2-136566012-C-T.
Identifiers: ClinVar variation 2081027 (VCV002081027.4), dbSNP rs372910833, ClinGen allele CA1887966.
Genomic context (GRCh38, chr2:135,808,442, plus strand): 5'-CAGGCATATGACCCAGGGAATGTTGGAAGATTTCTTTAAGGGGAACTGAACCCTCACACA[C>T]CTTTCAAAGCCTCATTGATGTAGGTTTTGTGGTAAAATATCCTATCAGTATCCTCCGTGT-3'